The following is an entry in ClinVar:

ClinVar aggregate classification (germline): Conflicting classifications of pathogenicity. Review status: criteria provided, conflicting classifications (1 of 4 stars). 7 submissions from 3 submitters: Uncertain significance (5); Likely benign (2). Last evaluated 2025-07-21.

Conditions:
FGFR2-related craniosynostosis. Identifiers: MedGen CN231480.
Beare-Stevenson cutis gyrata syndrome (BSTVS). Identifiers: Orphanet 1555, MedGen C1852406, MONDO:0007412, OMIM 123790.
Saethre-Chotzen syndrome (SCS). Also called: ACROCEPHALY, SKULL ASYMMETRY, AND MILD SYNDACTYLY; ACS III; CHOTZEN SYNDROME. Identifiers: Orphanet 794, MedGen C0175699, MONDO:0007042, OMIM 101400.
Isolated Coronal Synostosis. Identifiers: MedGen CN043619.
Crouzon syndrome. Also called: Craniofacial dysostosis type 1; Crouzon craniofacial dysostosis; Crouzon disease; Craniofacial dysostosis; CRANIOFACIAL DYSOSTOSIS, TYPE I. Identifiers: Orphanet 207, MedGen C0010273, MeSH D003394, MONDO:0007405, OMIM 123500, HP:0004439.
Inborn genetic diseases. Identifiers: MedGen C0950123, MeSH D030342.
Craniosynostosis syndrome. Also called: Craniosynostosis. Identifiers: Orphanet 1531, MedGen C0010278, MeSH D003398, MONDO:0015469, HP:0001363.

Allele frequency attached by ClinVar (database versions not stated): gnomAD 0.00001; ExAC 0.00002; TOPMed 0.00002; gnomAD exomes 0.00003.
gnomAD v4.1: 111 of 1,613,548 alleles (0.0069%); highest among the groups gnomAD compares: Non-Finnish European, 0.0092%; no homozygotes.

Submissions (7):

Ambry Genetics
Classification: Uncertain significance for Inborn genetic diseases. Last evaluated: 2025-07-21. Review status: criteria provided, single submitter. Criteria: Ambry Variant Classification Scheme 2023. Collection method: clinical testing. Allele origin: germline.
Comment: Occurs in the first base pair of the exon Based on insufficient or conflicting evidence, the clinical significance of this alteration remains unclear.

Labcorp Genetics (formerly Invitae), Labcorp
Classification: Uncertain significance for FGFR2-related craniosynostosis. Last evaluated: 2024-05-20. Review status: criteria provided, single submitter. Criteria: Invitae Variant Classification Sherloc (09022015). Collection method: clinical testing. Allele origin: germline.
Comment: This sequence change replaces aspartic acid, which is acidic and polar, with glycine, which is neutral and non-polar, at codon 521 of the FGFR2 protein (p.Asp521Gly). This variant is present in population databases (rs55689343, gnomAD 0.006%). This missense change has been observed in individual(s) with FGFR2-related conditions (PMID: 26325558). ClinVar contains an entry for this variant (Variation ID: 880347). An algorithm developed to predict the effect of missense changes on protein structure and function (PolyPhen-2) suggests that this variant is likely to be disruptive. In summary, the available evidence is currently insufficient to determine the role of this variant in disease. Therefore, it has been classified as a Variant of Uncertain Significance.

Illumina Laboratory Services, Illumina
Classification: Likely benign for Beare-Stevenson cutis gyrata syndrome. Last evaluated: 2017-04-27. Review status: criteria provided, single submitter. Criteria: ICSL Variant Classification Criteria 13 December 2019. Collection method: clinical testing. Allele origin: germline.
Comment: This variant was observed as part of a predisposition screen in an ostensibly healthy population. A literature search was performed for the gene, cDNA change, and amino acid change (where applicable). No publications were found based on this search. Allele frequency data from public databases allowed determination this variant is unlikely to cause disease. Therefore, this variant is classified as likely benign.

Illumina Laboratory Services, Illumina
Classification: Uncertain significance for Craniosynostosis. Last evaluated: 2017-04-27. Review status: criteria provided, single submitter. Criteria: ICSL Variant Classification Criteria 13 December 2019. Collection method: clinical testing. Allele origin: germline.

Illumina Laboratory Services, Illumina
Classification: Uncertain significance for Isolated coronal synostosis. Last evaluated: 2017-04-27. Review status: criteria provided, single submitter. Criteria: ICSL Variant Classification Criteria 13 December 2019. Collection method: clinical testing. Allele origin: germline.

Illumina Laboratory Services, Illumina
Classification: Uncertain significance for Saethre-Chotzen syndrome. Last evaluated: 2017-04-27. Review status: criteria provided, single submitter. Criteria: ICSL Variant Classification Criteria 13 December 2019. Collection method: clinical testing. Allele origin: germline.

Illumina Laboratory Services, Illumina
Classification: Likely benign for Crouzon syndrome. Last evaluated: 2017-04-27. Review status: criteria provided, single submitter. Criteria: ICSL Variant Classification Criteria 13 December 2019. Collection method: clinical testing. Allele origin: germline.
Comment: the same text as in the submission from Illumina Laboratory Services, Illumina above.

Literature cited by the submitters: PubMed 26325558 (cited by Ambry Genetics and Labcorp Genetics (formerly Invitae), Labcorp).

NM_000141.5(FGFR2):c.1562A>G (p.Asp521Gly)

Gene: FGFR2 (fibroblast growth factor receptor 2; minus strand). Cytogenetic location: 10q26.13.
Variant type: single nucleotide variant.
Coding change: c.1562A>G on transcript NM_000141.5 (MANE Select); coding-DNA position 1562, A replaced by G.
Protein change: p.Asp521Gly; replaces aspartic acid 521 with glycine.
Molecular consequence: missense variant. On other transcripts: non-coding transcript variant (1).
Genome position (GRCh38, 1-based): chr10:121,498,605, T>C on the plus strand (A>G on the coding strand, the complement: FGFR2 is on the minus strand). VCF-style: chr10-121498605-T-C. GRCh37 (hg19) VCF-style: chr10-123258119-T-C.
Other names: c.1565A>G, p.Asp522Gly (NM_001144913.1, NM_022970.4); c.1226A>G, p.Asp409Gly (NM_001144914.1); c.1295A>G, p.Asp432Gly (NM_001144915.2, NM_023029.3); c.1217A>G, p.Asp406Gly (NM_001144916.2); c.1214A>G, p.Asp405Gly (NM_001144917.2); c.1211A>G, p.Asp404Gly (NM_001144918.2); c.1298A>G, p.Asp433Gly (NM_001144919.2); c.878A>G, p.Asp293Gly (NM_001320654.2); and 1 more; short protein forms D293G, D405G, D433G, D522G, D404G, D409G, D519G, D406G.
Identifiers: ClinVar variation 880347 (VCV000880347.13), dbSNP rs55689343, ClinGen allele CA5720695.
Genomic context (GRCh38, chr10:121,498,605, plus strand): 5'-ATCATCTTCATCATCTCCATCTCTGACACCAGATCAGAAAGGTCTTTCTCTGTGGCATCA[T>C]CTATGAACAGTAGGCATATTCACAAATCAGTTCATTTCCTCTAACTCATGGGCAGCTACT-3'
Protein context (NP_000132.3, residues 511-531): AVTVAVKMLK[Asp521Gly]DATEKDLSDL